The following is an entry in ClinVar:

ClinVar aggregate classification (germline): Uncertain significance (1 of 4 stars; one submission).

Conditions:
Atrial fibrillation, familial, 11 (ATFB11). Identifiers: MedGen C3279693, MONDO:0013544, OMIM 614049.
Atrial standstill 1 (ATRST1). Also called: Atrial standstill, digenic (GJA5/SCN5A); ATRIAL CARDIOMYOPATHY WITH HEART BLOCK; CARDIOMYOPATHY, FAMILIAL, WITH CONDUCTION DISTURBANCE. Identifiers: Orphanet 1344, MedGen C4551959, MONDO:0007171, OMIM 108770.

Allele frequency attached by ClinVar (database versions not stated): gnomAD exomes below 0.00001; ExAC 0.00001.
gnomAD v4.1: 2 of 1,614,194 alleles (0.00012%); highest among the groups gnomAD compares: Non-Finnish European, 0.00017%; no homozygotes.

Submission:

Labcorp Genetics (formerly Invitae), Labcorp
Classification: Uncertain significance for Atrial fibrillation, familial, 11; Atrial standstill 1. Last evaluated: 2021-06-30. Review status: criteria provided, single submitter. Criteria: Invitae Variant Classification Sherloc (09022015). Collection method: clinical testing. Allele origin: germline.
Comment: In summary, the available evidence is currently insufficient to determine the role of this variant in disease. Therefore, it has been classified as a Variant of Uncertain Significance. This sequence change replaces threonine with isoleucine at codon 307 of the GJA5 protein (p.Thr307Ile). The threonine residue is weakly conserved and there is a moderate physicochemical difference between threonine and isoleucine. This variant is present in population databases (rs781992965, ExAC 0.001%). This variant has not been reported in the literature in individuals affected with GJA5-related conditions. Algorithms developed to predict the effect of missense changes on protein structure and function output the following: SIFT: "Not Available"; PolyPhen-2: "Benign"; Align-GVGD: "Not Available". The isoleucine amino acid residue is found in multiple mammalian species, which suggests that this missense change does not adversely affect protein function.

NM_181703.4(GJA5):c.920C>T (p.Thr307Ile)

Gene: GJA5 (gap junction protein alpha 5; minus strand). Cytogenetic location: 1q21.2.
Variant type: single nucleotide variant.
Coding change: c.920C>T on transcript NM_181703.4 (MANE Select); coding-DNA position 920, C replaced by T.
Protein change: p.Thr307Ile; replaces threonine 307 with isoleucine.
Molecular consequence: missense variant.
Genome position (GRCh38, 1-based): chr1:147,758,319, G>A on the plus strand (C>T on the coding strand, the complement: GJA5 is on the minus strand). VCF-style: chr1-147758319-G-A. GRCh37 (hg19) VCF-style: chr1-147230427-G-A.
Other names: c.920C>T, p.Thr307Ile (NM_005266.7); short protein forms T307I.
Identifiers: ClinVar variation 1482481 (VCV001482481.8), dbSNP rs781992965, ClinGen allele CA1065678.